The following is an entry in ClinVar:

ClinVar aggregate classification (germline): Uncertain significance (1 of 4 stars; one submission).

Conditions:
Cataract-growth hormone deficiency-sensory neuropathy-sensorineural hearing loss-skeletal dysplasia syndrome. Also called: Cataracts, growth hormone deficiency, sensory neuropathy, sensorineural hearing loss, and skeletal dysplasia. Identifiers: Orphanet 436174, MedGen C4014942, MONDO:0014455, OMIM 616007.

gnomAD v4.1: 1 of 1,613,112 alleles (0.000062%); highest among the groups gnomAD compares: Non-Finnish European, 0.000085%; no homozygotes.

Submission:

3billion
Classification: Uncertain significance for Cataract-growth hormone deficiency-sensory neuropathy-sensorineural hearing loss-skeletal dysplasia syndrome. Last evaluated: 2025-11-08. Review status: criteria provided, single submitter. Criteria: ACMG Guidelines, 2015. Collection method: clinical testing. Allele origin: germline. Affected: yes.
Comment: The variant is observed at an extremely low frequency in the gnomAD v4.1.0 dataset (total allele frequency: <0.001%). Predicted Consequence/Location: Missense variant Therefore, this variant is classified as VUS according to the recommendation of ACMG/AMP guideline.

NM_018060.4(IARS2):c.1022C>T (p.Ala341Val)

Gene: IARS2 (isoleucyl-tRNA synthetase 2, mitochondrial; plus strand). Cytogenetic location: 1q41.
Variant type: single nucleotide variant.
Coding change: c.1022C>T on transcript NM_018060.4 (MANE Select); coding-DNA position 1022, C replaced by T.
Protein change: p.Ala341Val; replaces alanine 341 with valine.
Molecular consequence: missense variant.
Genome position (GRCh38, 1-based): chr1:220,103,518, C>T. VCF-style: chr1-220103518-C-T. GRCh37 (hg19) VCF-style: chr1-220276860-C-T.
Other names: short protein forms A341V.
Identifiers: ClinVar variation 4856240 (VCV004856240.1).
Genomic context (GRCh38, chr1:220,103,518, plus strand): 5'-TGAAATGTTCTAAGTCTGGAGACCTCTACGTACTGGCGGCAGATAAAGTAGCATCTGTTG[C>T]TTCTACTTTGGAAACAACATTTGAGACTATTTCAACACTTTCAGGTGAAGATTTTTAGAT-3'
Protein context (NP_060530.3, residues 331-351): VLAADKVASV[Ala341Val]STLETTFETI